The following is an entry in ClinVar:

ClinVar aggregate classification (germline): Uncertain significance. Review status: criteria provided, multiple submitters, no conflicts (2 of 4 stars). 3 submissions from 3 submitters: Uncertain significance (3). Last evaluated 2026-01-19.

Conditions:
Inborn genetic diseases. Identifiers: MedGen C0950123, MeSH D030342.
Muscular dystrophy-dystroglycanopathy (congenital with brain and eye anomalies), type a, 11 (MDDGA11). Also called: Muscular dystrophy-dystroglycanopathy (congenital with brain and eye anomalies, type A, 11; WALKER-WARBURG SYNDROME OR MUSCLE-EYE-BRAIN DISEASE, B3GALNT2-RELATED; Congenital muscular dystrophy-dystroglycanopathy with brain and eye anomalies, type A11. Identifiers: Orphanet 588, Orphanet 899, MedGen C3554638, MONDO:0014071, OMIM 615181.

Allele frequency attached by ClinVar (database versions not stated): ExAC 0.00003; gnomAD 0.00003 and 0.00004; gnomAD exomes 0.00003 and 0.00006; TOPMed 0.00005.
gnomAD v4.1: 52 of 1,614,038 alleles (0.0032%); highest among the groups gnomAD compares: Admixed American, 0.018%; no homozygotes.

Submissions (3):

Labcorp Genetics (formerly Invitae), Labcorp
Classification: Uncertain significance for Muscular dystrophy-dystroglycanopathy (congenital with brain and eye anomalies), type a, 11. Last evaluated: 2026-01-19. Review status: criteria provided, single submitter. Criteria: Invitae Variant Classification Sherloc (09022015). Collection method: clinical testing. Allele origin: germline.
Comment: This sequence change replaces arginine, which is basic and polar, with glycine, which is neutral and non-polar, at codon 236 of the B3GALNT2 protein (p.Arg236Gly). This variant is present in population databases (rs113948040, gnomAD 0.03%). This variant has not been reported in the literature in individuals affected with B3GALNT2-related conditions. ClinVar contains an entry for this variant (Variation ID: 384832). Invitae Evidence Modeling of protein sequence and biophysical properties (such as structural, functional, and spatial information, amino acid conservation, physicochemical variation, residue mobility, and thermodynamic stability) indicates that this missense variant is not expected to disrupt B3GALNT2 protein function with a negative predictive value of 80%. In summary, the available evidence is currently insufficient to determine the role of this variant in disease. Therefore, it has been classified as a Variant of Uncertain Significance.

Ambry Genetics
Classification: Uncertain significance for Inborn genetic diseases. Last evaluated: 2025-01-19. Review status: criteria provided, single submitter. Criteria: Ambry Variant Classification Scheme 2023. Collection method: clinical testing. Allele origin: germline.

GeneDx
Classification: Uncertain significance. Last evaluated: 2021-09-27. Review status: criteria provided, single submitter. Criteria: GeneDx Variant Classification Process June 2021. Collection method: clinical testing. Allele origin: germline. Affected: yes.
Comment: In silico analysis supports that this missense variant does not alter protein structure/function; Has not been previously published as pathogenic or benign to our knowledge

NM_152490.5(B3GALNT2):c.706A>G (p.Arg236Gly)

Gene: B3GALNT2 (beta-1,3-N-acetylgalactosaminyltransferase 2; minus strand). Cytogenetic location: 1q42.3.
Variant type: single nucleotide variant.
Coding change: c.706A>G on transcript NM_152490.5 (MANE Select); coding-DNA position 706, A replaced by G.
Protein change: p.Arg236Gly; replaces arginine 236 with glycine.
Molecular consequence: missense variant.
Genome position (GRCh38, 1-based): chr1:235,470,906, T>C on the plus strand (A>G on the coding strand, the complement: B3GALNT2 is on the minus strand). VCF-style: chr1-235470906-T-C. GRCh37 (hg19) VCF-style: chr1-235634220-T-C.
Other names: c.829A>G, p.Arg277Gly (NM_001277155.3); short protein forms R236G, R277G.
Identifiers: ClinVar variation 384832 (VCV000384832.11), dbSNP rs113948040, ClinGen allele CA1464820.